The following is an entry in ClinVar:

NM_001267550.2(TTN):c.63035C>T (p.Pro21012Leu)

Genes: TTN (titin; minus strand), TTN-AS1 (TTN antisense RNA 1; plus strand). Cytogenetic location: 2q31.2.
Variant type: single nucleotide variant.
Coding change: c.63035C>T on transcript NM_001267550.2 (MANE Select); coding-DNA position 63035, C replaced by T.
Protein change: p.Pro21012Leu; replaces proline 21012 with leucine.
Molecular consequence: missense variant.
Genome position (GRCh38, 1-based): chr2:178,588,690, G>A on the plus strand (C>T on the coding strand, the complement: TTN is on the minus strand). VCF-style: chr2-178588690-G-A. GRCh37 (hg19) VCF-style: chr2-179453417-G-A.
Other names: c.55331C>T, p.Pro18444Leu (NM_133378.4); c.58112C>T, p.Pro19371Leu (NM_001256850.1); c.35840C>T, p.Pro11947Leu (NM_003319.4); c.36215C>T, p.Pro12072Leu (NM_133432.3); c.36416C>T, p.Pro12139Leu (NM_133437.4); short protein forms P18444L, P21012L, P12072L, P19371L, P12139L, P11947L.
Identifiers: ClinVar variation 505127 (VCV000505127.5), dbSNP rs1476856667, ClinGen allele CA349457558.

ClinVar aggregate classification (germline): Uncertain significance (1 of 4 stars; one submission).

Allele frequency attached by ClinVar (database versions not stated): gnomAD 0.00001; gnomAD exomes 0.00001; TOPMed 0.00001.
gnomAD v4.1: 5 of 1,613,120 alleles (0.00031%); highest among the groups gnomAD compares: African/African-American, 0.0013%; no homozygotes.

Submission:

Laboratory for Molecular Medicine, Mass General Brigham Personalized Medicine
Classification: Uncertain significance. Last evaluated: 2016-06-10. Review status: criteria provided, single submitter. Criteria: LMM Criteria. Collection method: clinical testing. Allele origin: germline. Observed: 1 variant allele.
Comment: The p.Pro18444Leu variant in TTN has not been previously reported in individuals with cardiomyopathy or in large population studies. Computational prediction to ols and conservation analysis suggest that the p.Pro18444Leu variant may impact the protein, though this information is not predictive enough to determine patho genicity. In summary, the clinical significance of the p.Pro18444Leu variant is uncertain.